The following is an entry in ClinVar:

ClinVar aggregate classification (germline): Uncertain significance (1 of 4 stars; one submission).

Conditions:
SPECC1L-related disorder. Also called: SPECC1L-related condition.

gnomAD v4.1: 2 of 1,614,226 alleles (0.00012%); highest among the groups gnomAD compares: Non-Finnish European, 0.00017%; no homozygotes.

Submission:

PreventionGenetics, part of Exact Sciences
Classification: Uncertain significance for SPECC1L-related condition. Last evaluated: 2026-01-08. Review status: criteria provided, single submitter. Criteria: ACMG Guidelines, 2015. Collection method: clinical testing. Allele origin: germline.
Comment: The SPECC1L c.728T>C variant is predicted to result in the amino acid substitution p.Leu243Ser. To our knowledge, this variant has not been reported in the literature or in a large population database (gnomAD), indicating this variant is rare. At this time, the clinical significance of this variant is uncertain due to the absence of conclusive functional and genetic evidence.

NM_015330.6(SPECC1L):c.728T>C (p.Leu243Ser)

Genes: SPECC1L (sperm antigen with calponin homology and coiled-coil domains 1 like; plus strand), SPECC1L-ADORA2A (SPECC1L-ADORA2A readthrough (NMD candidate); plus strand). Cytogenetic location: 22q11.23.
Variant type: single nucleotide variant.
Coding change: c.728T>C on transcript NM_015330.6 (MANE Select); coding-DNA position 728, T replaced by C.
Protein change: p.Leu243Ser; replaces leucine 243 with serine.
Molecular consequence: missense variant. On other transcripts: non-coding transcript variant (1).
Genome position (GRCh38, 1-based): chr22:24,321,708, T>C. VCF-style: chr22-24321708-T-C. GRCh37 (hg19) VCF-style: chr22-24717676-T-C.
Other names: c.728T>C, p.Leu243Ser (NM_001145468.4, NM_001254732.3); short protein forms L243S.
Identifiers: ClinVar variation 4995963 (VCV004995963.1).